The following is an entry in ClinVar:

ClinVar aggregate classification (germline): Pathogenic. Review status: reviewed by expert panel (3 of 4 stars). 2 submissions from 2 submitters: Pathogenic (1). 1 of the submissions does not count toward it. Last evaluated 2016-10-18.

Conditions:
Breast-ovarian cancer, familial, susceptibility to, 1 (BROVCA1). Also called: BRCA1 Hereditary Breast and Ovarian Cancer; OVARIAN CANCER, SUSCEPTIBILITY TO. Identifiers: Orphanet 145, MedGen C2676676, MONDO:0011450, OMIM 604370. Disease mechanism: loss of function.

Submissions (2):

Evidence-based Network for the Interpretation of Germline Mutant Alleles (ENIGMA)
Classification: Pathogenic for Breast-ovarian cancer, familial, susceptibility to, 1. Last evaluated: 2016-10-18. Review status: reviewed by expert panel. Criteria: ENIGMA BRCA1/2 Classification Criteria (2015). Collection method: curation. Allele origin: germline.
Comment: Variant allele predicted to encode a truncated non-functional protein.

Consortium of Investigators of Modifiers of BRCA1/2 (CIMBA), c/o University of Cambridge
Classification: Pathogenic for Breast-ovarian cancer, familial, susceptibility to, 1. Last evaluated: 2015-10-02. Review status: criteria provided, single submitter. Criteria: CIMBA Mutation Classification guidelines May 2016. Collection method: clinical testing. Allele origin: germline. Not counted in ClinVar's aggregate classification.

NM_007294.4(BRCA1):c.2214_2218delinsAAA (p.Lys739fs)

Gene: BRCA1 (BRCA1 DNA repair associated; minus strand). Cytogenetic location: 17q21.31.
Variant type: Indel.
Coding change: c.2214_2218delinsAAA on transcript NM_007294.4 (MANE Select); coding-DNA positions 2214 to 2218, TAAAG replaced by AAA.
Protein change: p.Lys739fs; shifts the reading frame from lysine 739.
Molecular consequence: frameshift variant. On other transcripts: intron variant (137).
Genome position (GRCh38, 1-based): chr17:43,093,313-43,093,317, CTTTA replaced by TTT on the plus strand (TAAAG replaced by AAA on the coding strand, the reverse complement: BRCA1 is on the minus strand). VCF-style: chr17-43093313-CTTTA-TTT. GRCh37 (hg19) VCF-style: chr17-41245330-CTTTA-TTT.
Other names: 2333_2337delTAAAGinsAAA; c.2088_2092delinsAAA, p.Lys697fs (NM_001407685.1, NM_001407686.1, NM_001407687.1 and 11 more transcripts); c.2073_2077delinsAAA, p.Lys692fs (NM_001407698.1, NM_001407724.1, NM_001407725.1 and 29 more transcripts); c.2070_2074delinsAAA, p.Lys691fs (NM_001407740.1, NM_001407741.1, NM_001407742.1 and 20 more transcripts); c.2091_2095delinsAAA, p.Lys698fs (NM_001407863.1, NM_001407648.1, NM_001407664.1 and 19 more transcripts); c.2010_2014delinsAAA, p.Lys671fs (NM_001407874.1, NM_001407875.1); c.2004_2008delinsAAA, p.Lys669fs (NM_001407879.1, NM_001407881.1, NM_001407882.1 and 13 more transcripts); c.1950_1954delinsAAA, p.Lys651fs (NM_001407924.1, NM_001407925.1, NM_001407926.1 and 9 more transcripts); and 42 more; short protein forms K692fs, K739fs, K612fs, K627fs, K628fs, K698fs, K443fs, K671fs.
Identifiers: ClinVar variation 266240 (VCV000266240.7), dbSNP rs886040017, ClinGen allele CA10589872.